The following is an entry in ClinVar:

ClinVar aggregate classification (germline): Likely benign. Review status: criteria provided, multiple submitters, no conflicts (2 of 4 stars). 2 submissions from 2 submitters: Likely benign (2). Last evaluated 2026-09-26.

Conditions:
SIX5-related disorder. Also called: SIX5-related condition.

gnomAD v4.1: 21 of 1,612,786 alleles (0.0013%); highest among the groups gnomAD compares: Admixed American, 0.033%; no homozygotes.

Submissions (2):

PreventionGenetics, part of Exact Sciences
Classification: Likely benign for SIX5-related condition. Last evaluated: 2026-09-26. Review status: criteria provided, single submitter. Criteria: ACMG Guidelines, 2015. Collection method: clinical testing. Allele origin: germline.
Comment: This variant is classified as likely benign based on ACMG/AMP sequence variant interpretation guidelines (Richards et al. 2015 PMID: 25741868, with internal and published modifications).

Labcorp Genetics (formerly Invitae), Labcorp
Classification: Likely benign. Last evaluated: 2025-03-16. Review status: criteria provided, single submitter. Criteria: Invitae Variant Classification Sherloc (09022015). Collection method: clinical testing. Allele origin: germline.

NM_175875.5(SIX5):c.2053C>T (p.Leu685=)

Gene: SIX5 (SIX homeobox 5; minus strand). Cytogenetic location: 19q13.32.
Variant type: single nucleotide variant.
Coding change: c.2053C>T on transcript NM_175875.5 (MANE Select); coding-DNA position 2053, C replaced by T.
Protein change: p.Leu685=; no amino-acid change (leucine 685 retained).
Molecular consequence: synonymous variant.
Genome position (GRCh38, 1-based): chr19:45,765,668, G>A on the plus strand (C>T on the coding strand, the complement: SIX5 is on the minus strand). VCF-style: chr19-45765668-G-A. GRCh37 (hg19) VCF-style: chr19-46268926-G-A.
Other names: c.2053C>T (NM_175875.4).
Identifiers: ClinVar variation 4739395 (VCV004739395.2).
Genomic context (GRCh38, chr19:45,765,668, plus strand): 5'-GCAGCCCCTCAGGGTCGGGGTCTGGCAGCCTCAGCACGGTGTGGGGGGCCTGTGTCCCCA[G>A]CCCCTTTTCCGCTTCCAGCAGCCCCTCTGTTCCTGCGCTTAGTTCCAGCCCTGCTGACCA-3'
Protein context (NP_787071.3, residues 675-695): TEGLLEAEKG[Leu685=]GTQAPHTVLR